The following is an entry in ClinVar:

ClinVar aggregate classification (germline): Uncertain significance (1 of 4 stars; one submission).

Conditions:
Hereditary cancer-predisposing syndrome. Also called: Neoplastic Syndromes, Hereditary; Tumor predisposition; Hereditary Cancer Syndrome; Hereditary neoplastic syndrome. Identifiers: Orphanet 140162, MedGen C0027672, MeSH D009386, MONDO:0015356.

Submission:

Ambry Genetics
Classification: Uncertain significance for Hereditary cancer-predisposing syndrome. Last evaluated: 2022-03-01. Review status: criteria provided, single submitter. Criteria: Ambry Variant Classification Scheme 2023. Collection method: clinical testing. Allele origin: germline.
Comment: The p.K1109M variant (also known as c.3326A>T), located in coding exon 20 of the ALK gene, results from an A to T substitution at nucleotide position 3326. The lysine at codon 1109 is replaced by methionine, an amino acid with similar properties. This amino acid position is conserved. In addition, this alteration is predicted to be deleterious by in silico analysis. Since supporting evidence is limited at this time, the clinical significance of this alteration remains unclear.

NM_004304.5(ALK):c.3326A>T (p.Lys1109Met)

Gene: ALK (ALK receptor tyrosine kinase; minus strand). Cytogenetic location: 2p23.2.
Variant type: single nucleotide variant.
Coding change: c.3326A>T on transcript NM_004304.5 (MANE Select); coding-DNA position 3326, A replaced by T.
Protein change: p.Lys1109Met; replaces lysine 1109 with methionine.
Molecular consequence: missense variant.
Genome position (GRCh38, 1-based): chr2:29,223,375, T>A on the plus strand (A>T on the coding strand, the complement: ALK is on the minus strand). VCF-style: chr2-29223375-T-A. GRCh37 (hg19) VCF-style: chr2-29446241-T-A.
Other names: c.122A>T, p.Lys41Met (NM_001353765.2); short protein forms K41M, K1109M.
Identifiers: ClinVar variation 1730246 (VCV001730246.2), dbSNP rs2148170728, ClinGen allele CA346464711.